The following is an entry in ClinVar:

NM_000361.3(THBD):c.*1993T>C

Gene: THBD (thrombomodulin; minus strand). Cytogenetic location: 20p11.21.
Variant type: single nucleotide variant.
Coding change: c.*1993T>C on transcript NM_000361.3 (MANE Select); 1993 bases downstream of the stop codon, T replaced by C.
Molecular consequence: 3 prime UTR variant.
Genome position (GRCh38, 1-based): chr20:23,045,784, A>G on the plus strand (T>C on the coding strand, the complement: THBD is on the minus strand). VCF-style: chr20-23045784-A-G. GRCh37 (hg19) VCF-style: chr20-23026421-A-G.
Identifiers: ClinVar variation 337851 (VCV000337851.6), dbSNP rs3176136, ClinGen allele CA10643554.

ClinVar aggregate classification (germline): Benign. Review status: criteria provided, multiple submitters, no conflicts (2 of 4 stars). 2 submissions from 2 submitters: Benign (2). Last evaluated 2018-01-13.

Conditions:
Atypical hemolytic-uremic syndrome with thrombomodulin anomaly. Also called: HEMOLYTIC UREMIC SYNDROME, ATYPICAL, SUSCEPTIBILITY TO, 6; AHUS, SUSCEPTIBILITY TO, 6. Identifiers: MedGen C2752036, MONDO:0013044, OMIM 612926. Disease mechanism: gain of function.

Allele frequency attached by ClinVar (database versions not stated): TOPMed 0.01074; gnomAD 0.00972 and 0.00970; 1000 Genomes Project 0.00819; 1000 Genomes Project 30x 0.00890.

Submissions (2):

Illumina Laboratory Services, Illumina
Classification: Benign for Atypical hemolytic-uremic syndrome with thrombomodulin anomaly. Last evaluated: 2018-01-13. Review status: criteria provided, single submitter. Criteria: ICSL Variant Classification Criteria 13 December 2019. Collection method: clinical testing. Allele origin: germline.
Comment: This variant was observed in the ICSL laboratory as part of a predisposition screen in an ostensibly healthy population. It had not been previously curated by ICSL or reported in the Human Gene Mutation Database (HGMD: prior to June 1st, 2018), and was therefore a candidate for classification through an automated scoring system. Utilizing variant allele frequency, disease prevalence and penetrance estimates, and inheritance mode, an automated score was calculated to assess if this variant is too frequent to cause the disease. Based on the score and internal cut-off values, a variant classified as benign is not then subjected to further curation. The score for this variant resulted in a classification of benign for this disease.

Breakthrough Genomics
Classification: Benign. Review status: criteria provided, single submitter. Criteria: ACMG Guidelines, 2015. Collection method: not provided. Allele origin: germline. Inheritance: Autosomal dominant inheritance. Affected: yes.